The following is an entry in ClinVar:

ClinVar aggregate classification (germline): Uncertain significance. Review status: criteria provided, multiple submitters, no conflicts (2 of 4 stars). 2 submissions from 2 submitters: Uncertain significance (2). Last evaluated 2024-05-09.

Conditions:
Retinoblastoma (RB1). Also called: RETINOBLASTOMA, SOMATIC. Identifiers: Orphanet 790, MedGen C0035335, MeSH D012175, MONDO:0008380, OMIM 180200, HP:0009919. Disease mechanism: loss of function. Inheritance: Both sporadic and heritable forms are tested..

Submissions (2):

All of Us Research Program, National Institutes of Health
Classification: Uncertain significance for Retinoblastoma. Last evaluated: 2024-05-09. Review status: criteria provided, single submitter. Criteria: ACMG Guidelines, 2015. Collection method: clinical testing. Allele origin: germline. Inheritance: Autosomal dominant inheritance. Observed: 1 variant allele, 1 heterozygote.
Comment: This study involves interpretation of variants in research participants for the purpose of population health screening. Participant phenotype was not available at the time of variant classification. Additional details can be found in publication PMID: 35346344, PMCID: PMC8962531

Labcorp Genetics (formerly Invitae), Labcorp
Classification: Uncertain significance for Retinoblastoma. Last evaluated: 2020-12-09. Review status: criteria provided, single submitter. Criteria: Invitae Variant Classification Sherloc (09022015). Collection method: clinical testing. Allele origin: germline.
Comment: This variant is not present in population databases (ExAC no frequency). This sequence change falls in intron 4 of the RB1 gene. It does not directly change the encoded amino acid sequence of the RB1 protein, but it affects a nucleotide within the consensus splice site of the intron. This variant has not been reported in the literature in individuals with RB1-related conditions. In summary, the available evidence is currently insufficient to determine the role of this variant in disease. Therefore, it has been classified as a Variant of Uncertain Significance. Nucleotide substitutions within the consensus splice site are a relatively common cause of aberrant splicing (PMID: 17576681, 9536098). Algorithms developed to predict the effect of sequence changes on RNA splicing suggest that this variant is not likely to affect RNA splicing, but this prediction has not been confirmed by published transcriptional studies.

Literature cited by the submitters: PubMed 17576681 (cited by Labcorp Genetics (formerly Invitae), Labcorp); PubMed 9536098 (cited by Labcorp Genetics (formerly Invitae), Labcorp).

NM_000321.3(RB1):c.500+6_500+10del

Gene: RB1 (RB transcriptional corepressor 1; plus strand). Cytogenetic location: 13q14.2.
Variant type: Microsatellite.
Coding change: c.500+6_500+10del on transcript NM_000321.3 (MANE Select); bases 6 to 10 of the intron after coding-DNA position 500, 5 bases deleted (GTAAA; older notation c.500+6_500+10delGTAAA).
Molecular consequence: splice donor variant.
Genome position (GRCh38, 1-based): chr13:48,345,205-48,345,209, GTAAA deleted; deleting any 5 consecutive bases within chr13:48,345,200-48,345,209 gives the same sequence; the c. name uses the placement nearest the transcript's 3' end. VCF-style (leftmost placement, unchanged base first): chr13-48345199-GGTAAA-G. GRCh37 (hg19) VCF-style: chr13-48919335-GGTAAA-G.
Identifiers: ClinVar variation 943039 (VCV000943039.10), dbSNP rs1328603105, ClinGen allele CA609871359.